The following is an entry in ClinVar:

ClinVar aggregate classification (germline): Pathogenic. Review status: reviewed by expert panel (3 of 4 stars). 19 submissions from 19 submitters: Pathogenic (1). 18 of the submissions do not count toward it. Last evaluated 2016-09-08.

Conditions:
BRCA1-related disorder. Also called: BRCA1-related condition.
Hereditary cancer-predisposing syndrome. Also called: Hereditary Cancer Syndrome; Hereditary neoplastic syndrome; Neoplastic Syndromes, Hereditary; Tumor predisposition. Identifiers: Orphanet 140162, MedGen C0027672, MeSH D009386, MONDO:0015356.
Breast-ovarian cancer, familial, susceptibility to, 1 (BROVCA1). Also called: BRCA1 Hereditary Breast and Ovarian Cancer; OVARIAN CANCER, SUSCEPTIBILITY TO. Identifiers: Orphanet 145, MedGen C2676676, MONDO:0011450, OMIM 604370. Disease mechanism: loss of function.
Familial cancer of breast. Also called: hereditary breast carcinoma; BREAST CANCER, FAMILIAL; Hereditary breast cancer. Identifiers: Orphanet 227535, MedGen C0346153, MONDO:0016419, OMIM 114480. Disease mechanism: loss of function.
Fanconi anemia, complementation group S (FANCS). Identifiers: MedGen C4554406, MONDO:0054748, OMIM 617883.
Hereditary breast ovarian cancer syndrome. Also called: BRCA1- and BRCA2-Associated Hereditary Breast and Ovarian Cancer; Hereditary breast and ovarian cancer syndrome; Hereditary breast and ovarian cancer syndrome (HBOC); Breast and ovarian cancer; Hereditary breast and/or ovarian cancer syndrome; Hereditary breast and ovarian cancer. Identifiers: Orphanet 145, MedGen C0677776, MeSH D061325, MONDO:0003582. Disease mechanism: loss of function.

Allele frequency attached by ClinVar (database versions not stated): gnomAD exomes below 0.00001.

Submissions 1 to 9 of 19:

Evidence-based Network for the Interpretation of Germline Mutant Alleles (ENIGMA)
Classification: Pathogenic for Breast-ovarian cancer, familial, susceptibility to, 1. Last evaluated: 2016-09-08. Review status: reviewed by expert panel. Criteria: ENIGMA BRCA1/2 Classification Criteria (2015). Collection method: curation. Allele origin: germline.
Comment: Variant allele predicted to encode a truncated non-functional protein.

Labcorp Genetics (formerly Invitae), Labcorp
Classification: Pathogenic for Hereditary breast ovarian cancer syndrome. Last evaluated: 2026-01-26. Review status: criteria provided, single submitter. Criteria: Invitae Variant Classification Sherloc (09022015). Collection method: clinical testing. Allele origin: germline. Not counted in ClinVar's aggregate classification.
Comment: This sequence change creates a premature translational stop signal (p.Lys1254*) in the BRCA1 gene. It is expected to result in an absent or disrupted protein product. Loss-of-function variants in BRCA1 are known to be pathogenic (PMID: 20104584). This variant is not present in population databases (gnomAD no frequency). This premature translational stop signal has been observed in individual(s) with breast and ovarian cancer (PMID: 9523200, 10528853, 23479189). This variant is also known as 3879insT or c.3759_3760insT. ClinVar contains an entry for this variant (Variation ID: 54992). For these reasons, this variant has been classified as Pathogenic.

Dasa
Classification: Pathogenic for Breast-ovarian cancer, familial, susceptibility to, 1. Last evaluated: 2025-10-04. Review status: criteria provided, single submitter. Criteria: DASA Assertion Criteria. Collection method: clinical testing. Allele origin: germline. Not counted in ClinVar's aggregate classification.
Comment: NM_007294.4(BRCA1):c.3759dup (p.Lys1254*) is a nonsense variant in BRCA1 predicted to introduce a premature termination codon and is predicted to result in an absent or altered protein product. Loss of function is an established disease mechanism for BRCA1 (PMID: 32375709; PMID: 21989022; PMID: 11802209). The affected residue or protein region has prior evidence supporting clinical relevance. This variant has been recurrently observed in individuals with Breast-ovarian cancer, familial, susceptibility to, 1 (PMID: 9523200; PMID: 10528853; PMID: 23479189; PMID: 29088781). Also, this variant is rare in population databases. Based on the currently available evidence, this variant is classified as pathogenic.

GeneDx
Classification: Pathogenic. Last evaluated: 2025-06-25. Review status: criteria provided, single submitter. Criteria: GeneDx Variant Classification Process June 2021. Collection method: clinical testing. Allele origin: germline. Affected: yes. Not counted in ClinVar's aggregate classification.
Comment: Observed in individuals with a personal or family history consistent with pathogenic variants in this gene (PMID: 9523200, 10528853, 23479189, 29088781); Nonsense variant predicted to result in protein truncation or nonsense mediated decay in a gene for which loss-of-function is a known mechanism of disease; Truncating variants in this gene are considered pathogenic by a well-established clinical consortium and/or database; Not observed at significant frequency in large population cohorts (gnomAD); Also known as 3878dupT; This variant is associated with the following publications: (PMID: 29088781, 10528853, 9523200, 23479189, 28127413, 33087929, 39021548, 38566764)

Ambry Genetics
Classification: Pathogenic for Hereditary cancer-predisposing syndrome. Last evaluated: 2025-05-20. Review status: criteria provided, single submitter. Criteria: Ambry Variant Classification Scheme 2023. Collection method: clinical testing. Allele origin: germline. Not counted in ClinVar's aggregate classification.
Comment: The c.3759dupT (p.K1254*) alteration, located in exon 10 (coding exon 9) of the BRCA1 gene, consists of a duplication of T at position 3759, causing a translational frameshift with a predicted alternate stop codon after amino acids. This alteration is expected to result in loss of function by premature protein truncation or nonsense-mediated mRNA decay. This variant was not reported in population-based cohorts in the Genome Aggregation Database (gnomAD). This variant has been reported in multiple individuals and families with breast and/or ovarian cancer (Greenman, 1998; van Orsouw, 1999; de Juan Jim&eacute;nez, 2013; Alvarez, 2017). Of note, this variant is also designated as 3878insT, 3879insT, and c.3759_3760insT in some published literature. Based on the available evidence, this alteration is classified as pathogenic.

Quest Diagnostics Nichols Institute San Juan Capistrano
Classification: Pathogenic. Last evaluated: 2025-02-25. Review status: criteria provided, single submitter. Criteria: Quest Diagnostics criteria. Collection method: clinical testing. Allele origin: unknown. Not counted in ClinVar's aggregate classification.
Comment: The BRCA1 c.3759dup (p.Lys1254*) variant alters the translational reading frame of the BRCA1 mRNA and causes the premature termination of BRCA1 protein synthesis. This variant has been reported in the published literature in individuals with a personal and/or family history of breast and/or ovarian cancer (PMIDs: 34680387 (2021), 31897316 (2019), 31125277 (2019), 29088781 (2017), 23479189 (2013), 9523200 (1998)). This variant has not been reported in large, multi-ethnic general populations (Genome Aggregation Database). Based on the available information, this variant is classified as pathogenic.

Women's Health and Genetics/Laboratory Corporation of America, LabCorp
Classification: Pathogenic for Hereditary breast ovarian cancer syndrome. Last evaluated: 2024-05-06. Review status: criteria provided, single submitter. Criteria: LabCorp Variant Classification Summary - May 2015. Collection method: clinical testing. Allele origin: germline. Not counted in ClinVar's aggregate classification.
Comment: Variant summary: BRCA1 c.3759dupT (p.Lys1254X) results in a premature termination codon, predicted to cause a truncation of the encoded protein or absence of the protein due to nonsense mediated decay, which are commonly known mechanisms for disease. The variant was absent in 251272 control chromosomes. c.3759dupT has been reported in the literature in multiple individuals affected with Hereditary Breast And Ovarian Cancer Syndrome (e.g. Judkins_2005, van Orsouw_1999). These data indicate that the variant is very likely to be associated with disease. To our knowledge, no experimental evidence demonstrating an impact on protein function has been reported. The following publications have been ascertained in the context of this evaluation (PMID: 16267036, 10528853). ClinVar contains an entry for this variant (Variation ID: 54992). Based on the evidence outlined above, the variant was classified as pathogenic.

Blueprint Genetics
Classification: Pathogenic for BRCA1-related disorders. Last evaluated: 2023-05-02. Review status: criteria provided, single submitter. Criteria: ACMG Guidelines, 2015. Collection method: clinical testing. Allele origin: germline. Affected: yes. Observed: 1 variant allele. Not counted in ClinVar's aggregate classification.

Color Diagnostics, LLC DBA Color Health
Classification: Pathogenic for Hereditary cancer-predisposing syndrome. Last evaluated: 2023-03-06. Review status: criteria provided, single submitter. Criteria: ACMG Guidelines, 2015. Collection method: clinical testing. Allele origin: germline. Not counted in ClinVar's aggregate classification.
Comment: This variant inserts 1 nucleotide in exon 10 of the BRCA1 gene, creating a frameshift and premature translation stop signal. This variant is expected to result in an absent or non-functional protein product. This variant has been reported in two individuals affected with breast cancer or ovarian cancer (PMID: 16267036, 34680387) and in multiple individuals who underwent BRCA1/2 genetic testing (PMID: 23479189). This variant has not been identified in the general population by the Genome Aggregation Database (gnomAD). Loss of BRCA1 function is a known mechanism of disease. Based on the available evidence, this variant is classified as Pathogenic.

NM_007294.4(BRCA1):c.3759dup (p.Lys1254Ter)

Genes: BRCA1 (BRCA1 DNA repair associated; minus strand), LOC126862571 (BRD4-independent group 4 enhancer GRCh37_chr17:41243136-41244335; plus strand). Cytogenetic location: 17q21.31.
Variant type: Duplication.
Coding change: c.3759dup on transcript NM_007294.4 (MANE Select); coding-DNA position 3759, one base duplicated (T; older notation c.3759dupT).
Protein change: p.Lys1254Ter; replaces lysine 1254 with a stop codon.
Molecular consequence: nonsense. On other transcripts: intron variant (135), frameshift variant (1).
Genome position (GRCh38, 1-based): chr17:43,091,772, A duplicated on the plus strand (T on the coding strand, the reverse complement: BRCA1 is on the minus strand). VCF-style (leftmost placement, unchanged base first): chr17-43091771-T-TA. GRCh37 (hg19) VCF-style: chr17-41243788-T-TA.
Other names: NM_007300.3:c.3759dupT; 3878insT; c.3546dup, p.Lys1183Ter (NM_001407571.1, NM_001407853.1, NM_001407894.1 and 9 more transcripts); c.3759dup, p.Lys1254Ter (NM_001407581.1, NM_001407582.1, NM_001407583.1 and 30 more transcripts); c.3756dup, p.Lys1253Ter (NM_001407587.1, NM_001407590.1, NM_001407591.1 and 22 more transcripts); c.3750dup, p.Lys1251Ter (NM_001407646.1, NM_001407647.1); c.3636dup, p.Lys1213Ter (NM_001407648.1, NM_001407664.1, NM_001407665.1 and 19 more transcripts); c.3633dup, p.Lys1212Ter (NM_001407649.1, NM_001407670.1, NM_001407671.1 and 11 more transcripts); and 44 more; short protein forms K1254*, K1207*, K1184*, K1187*, K1213*, K1127*, K1142*, K1165*.
Identifiers: ClinVar variation 54992 (VCV000054992.88), dbSNP rs80357687, ClinGen allele CA002411.